The following is an entry in ClinVar:

NM_002294.3(LAMP2):c.*3687T>C

Gene: LAMP2 (lysosome associated membrane protein 2; minus strand). Cytogenetic location: Xq24.
Variant type: single nucleotide variant.
Coding change: c.*3687T>C on transcript NM_002294.3 (MANE Select); 3687 bases downstream of the stop codon, T replaced by C.
Molecular consequence: 3 prime UTR variant.
Genome position (GRCh38, 1-based): chrX:120,427,636, A>G on the plus strand (T>C on the coding strand, the complement: LAMP2 is on the minus strand). VCF-style: chrX-120427636-A-G. GRCh37 (hg19) VCF-style: chrX-119561491-A-G.
Other names: c.*848T>C (NM_001122606.1).
Identifiers: ClinVar variation 367746 (VCV000367746.6), dbSNP rs185627568, ClinGen allele CA10645839.

ClinVar aggregate classification (germline): Benign (1 of 4 stars; one submission).

Conditions:
Danon disease. Also called: ANTOPOL DISEASE; PSEUDOGLYCOGENOSIS II; GSD IIb; LYSOSOMAL GLYCOGEN STORAGE DISEASE WITHOUT ACID MALTASE DEFICIENCY; Glycogen Storage Disease Type IIb. Identifiers: Orphanet 34587, MedGen C0878677, MONDO:0010281, OMIM 300257.

Allele frequency attached by ClinVar (database versions not stated): 1000 Genomes Project 0.00053; 1000 Genomes Project 30x 0.00062; gnomAD 0.00066 and 0.00067; TOPMed 0.00066.
gnomAD v4.1: 73 of 112,084 alleles (0.065%); highest among the groups gnomAD compares: Non-Finnish European, 0.11%; no homozygotes.

Submission:

Illumina Laboratory Services, Illumina
Classification: Benign for Danon disease. Last evaluated: 2018-01-13. Review status: criteria provided, single submitter. Criteria: ICSL Variant Classification Criteria 13 December 2019. Collection method: clinical testing. Allele origin: germline.
Comment: This variant was observed in the ICSL laboratory as part of a predisposition screen in an ostensibly healthy population. It had not been previously curated by ICSL or reported in the Human Gene Mutation Database (HGMD: prior to June 1st, 2018), and was therefore a candidate for classification through an automated scoring system. Utilizing variant allele frequency, disease prevalence and penetrance estimates, and inheritance mode, an automated score was calculated to assess if this variant is too frequent to cause the disease. Based on the score and internal cut-off values, a variant classified as benign is not then subjected to further curation. The score for this variant resulted in a classification of benign for this disease.